The following is an entry in ClinVar:

NM_006790.3(MYOT):c.162CTC[1] (p.Ser56del)

Genes: MYOT (myotilin; plus strand), PKD2L2-DT (PKD2L2 divergent transcript; minus strand). Cytogenetic location: 5q31.2.
Variant type: Microsatellite.
Coding change: c.162CTC[1] on transcript NM_006790.3 (MANE Select); one copy of the 3-base unit CTC starting at c.162; the reference has two copies in a row; one copy, 3 bases deleted; also written c.165_167del.
Protein change: p.Ser56del; deletes serine 56.
Molecular consequence: inframe deletion. On other transcripts: inframe indel (2), intron variant (2).
Genome position (GRCh38, 1-based): chr5:137,870,816-137,870,818, CTC deleted; deleting any 3 consecutive bases within chr5:137,870,812-137,870,818 gives the same sequence; the position shown is the placement nearest the transcript's 3' end. VCF-style (leftmost placement, unchanged base first): chr5-137870811-GCCT-G. GRCh37 (hg19) VCF-style: chr5-137206500-GCCT-G.
Other names: c.162_164CTC[1], p.Ser56del (NM_006790.2); c.-120-61_-120-59del (NM_001300911.2); c.-197+291_-197+293del (NM_001135940.2); c.165_167del (NM_006790.2); short protein forms S56del.
Identifiers: ClinVar variation 1712798 (VCV001712798.2), dbSNP rs777691147, ClinGen allele CA3422857.

ClinVar aggregate classification (germline): Uncertain significance (1 of 4 stars; one submission).

Submission:

GeneDx
Classification: Uncertain significance. Last evaluated: 2022-04-28. Review status: criteria provided, single submitter. Criteria: GeneDx Variant Classification Process June 2021. Collection method: clinical testing. Allele origin: germline. Affected: yes.
Comment: In silico analysis supports that this variant does not alter protein structure/function; Has not been previously published as pathogenic or benign to our knowledge; This variant is associated with the following publications: (PMID: 22349301)